The following is an entry in ClinVar:

NM_001367624.2(ZNF469):c.10400A>G (p.Glu3467Gly)

Gene: ZNF469 (zinc finger protein 469; plus strand). Cytogenetic location: 16q24.2.
Variant type: single nucleotide variant.
Coding change: c.10400A>G on transcript NM_001367624.2 (MANE Select); coding-DNA position 10400, A replaced by G.
Protein change: p.Glu3467Gly; replaces glutamic acid 3467 with glycine.
Molecular consequence: missense variant.
Genome position (GRCh38, 1-based): chr16:88,437,870, A>G. VCF-style: chr16-88437870-A-G. GRCh37 (hg19) VCF-style: chr16-88504278-A-G.
Other names: NM_001127464.1:c.10316A>G; short protein forms E3467G.
Identifiers: ClinVar variation 3821124 (VCV003821124.1).
Genomic context (GRCh38, chr16:88,437,870, plus strand): 5'-CCTTCGCGTTCCGCGGCGTGCGGAGGCCGGGAGCGCCGGGACAGAAGGCCCGGGCCCTCG[A>G]GGGCACACTGCCCAGCAAACGGCGCAGGGTGGCCATGCCCGGCAGTGCCCCTGGGCCCGG-3'
Protein context (NP_001354553.1, residues 3457-3477): GAPGQKARAL[Glu3467Gly]GTLPSKRRRV

ClinVar aggregate classification (germline): Uncertain significance (1 of 4 stars; one submission).

Conditions:
Cardiovascular phenotype. Identifiers: MedGen CN230736.

Submission:

Ambry Genetics
Classification: Uncertain significance for Cardiovascular phenotype. Last evaluated: 2025-01-28. Review status: criteria provided, single submitter. Criteria: Ambry Variant Classification Scheme 2023. Collection method: clinical testing. Allele origin: germline.
Comment: The p.E3439G variant (also known as c.10316A>G), located in coding exon 2 of the ZNF469 gene, results from an A to G substitution at nucleotide position 10316. The glutamic acid at codon 3439 is replaced by glycine, an amino acid with similar properties. This amino acid position is conserved. In addition, this alteration is predicted to be tolerated by in silico analysis. Based on the available evidence, the clinical significance of this variant remains unclear.